The following is an entry in ClinVar:

ClinVar aggregate classification (germline): Likely benign. Review status: criteria provided, multiple submitters, no conflicts (2 of 4 stars). 3 submissions from 3 submitters: Likely benign (2). 1 of the submissions does not count toward it. Last evaluated 2025-09-24.

Conditions:
ACADS-related disorder. Also called: ACADS-related condition.

Allele frequency attached by ClinVar (database versions not stated): gnomAD exomes 0.00006 and 0.00019; ExAC 0.00024; 1000 Genomes Project 30x 0.00031; 1000 Genomes Project 0.00040; gnomAD 0.00067 and 0.00075; TOPMed 0.00081; ESP Exome Variant Server 0.00138.
gnomAD v4.1: 196 of 1,614,156 alleles (0.012%); highest among the groups gnomAD compares: African/African-American, 0.22%; 1 homozygote.

Submissions (3):

Women's Health and Genetics/Laboratory Corporation of America, LabCorp
Classification: Likely benign. Last evaluated: 2025-09-24. Review status: criteria provided, single submitter. Criteria: LabCorp Variant Classification Summary - May 2015. Collection method: clinical testing. Allele origin: germline.
Comment: Variant summary: ACADS c.655A>T (p.Thr219Ser) results in a conservative amino acid change in the encoded protein sequence. Algorithms developed to predict the effect of missense changes on protein structure and function are either unavailable or do not agree on the potential impact of this missense change. The variant allele was found at a frequency of 0.00019 in 251394 control chromosomes, predominantly at a frequency of 0.0023 within the African or African-American subpopulation in the gnomAD database. The observed variant frequency within African or African-American control individuals in the gnomAD database exceeds the estimated maximal expected allele frequency for disease-causing variants in ACADS. To our knowledge, no occurrence of c.655A>T in individuals affected with ACADS-related conditions and no experimental evidence demonstrating its impact on protein function have been reported. ClinVar contains an entry for this variant (Variation ID: 722143). Based on the evidence outlined above, the variant was classified as likely benign.

Labcorp Genetics (formerly Invitae), Labcorp
Classification: Likely benign. Last evaluated: 2018-03-30. Review status: criteria provided, single submitter. Criteria: Invitae Variant Classification Sherloc (09022015). Collection method: clinical testing. Allele origin: germline.

PreventionGenetics, part of Exact Sciences
Classification: Likely benign for ACADS-related condition. Last evaluated: 2024-02-06. Review status: no assertion criteria provided. Collection method: clinical testing. Allele origin: germline. Not counted in ClinVar's aggregate classification.
Comment: This variant is classified as likely benign based on ACMG/AMP sequence variant interpretation guidelines (Richards et al. 2015 PMID: 25741868, with internal and published modifications).

NM_000017.4(ACADS):c.655A>T (p.Thr219Ser)

Gene: ACADS (acyl-CoA dehydrogenase short chain; plus strand). Cytogenetic location: 12q24.31.
Variant type: single nucleotide variant.
Coding change: c.655A>T on transcript NM_000017.4 (MANE Select); coding-DNA position 655, A replaced by T.
Protein change: p.Thr219Ser; replaces threonine 219 with serine.
Molecular consequence: missense variant.
Genome position (GRCh38, 1-based): chr12:120,738,310, A>T. VCF-style: chr12-120738310-A-T. GRCh37 (hg19) VCF-style: chr12-121176113-A-T.
Other names: c.643A>T, p.Thr215Ser (NM_001302554.2); short protein forms T215S, T219S.
Identifiers: ClinVar variation 722143 (VCV000722143.6), dbSNP rs144815059, ClinGen allele CA6831028.